The following is an entry in ClinVar:

ClinVar aggregate classification (germline): Uncertain significance. Review status: criteria provided, multiple submitters, no conflicts (2 of 4 stars). 2 submissions from 2 submitters: Uncertain significance (2). Last evaluated 2024-08-20.

Conditions:
Inborn genetic diseases. Identifiers: MedGen C0950123, MeSH D030342.
Megalencephalic leukoencephalopathy with subcortical cysts. Also called: VAN DER KNAAP DISEASE. Identifiers: Orphanet 2478, MedGen C1858854, MONDO:0011391.

Allele frequency attached by ClinVar (database versions not stated): ExAC 0.00002; gnomAD exomes 0.00002; TOPMed 0.00002; gnomAD 0.00003.
gnomAD v4.1: 35 of 1,606,042 alleles (0.0022%); highest among the groups gnomAD compares: Non-Finnish European, 0.0028%; no homozygotes.

Submissions (2):

Ambry Genetics
Classification: Uncertain significance for Inborn genetic diseases. Last evaluated: 2024-08-20. Review status: criteria provided, single submitter. Criteria: Ambry Variant Classification Scheme 2023. Collection method: clinical testing. Allele origin: germline.

Revvity Omics, Revvity
Classification: Uncertain significance. Last evaluated: 2021-02-25. Review status: criteria provided, single submitter. Criteria: ACMG Guidelines, 2015. Collection method: clinical testing. Allele origin: germline.

NM_152722.5(HEPACAM):c.133G>A (p.Gly45Ser)

Gene: HEPACAM (hepatic and glial cell adhesion molecule; minus strand). Cytogenetic location: 11q24.2.
Variant type: single nucleotide variant.
Coding change: c.133G>A on transcript NM_152722.5 (MANE Select); coding-DNA position 133, G replaced by A.
Protein change: p.Gly45Ser; replaces glycine 45 with serine.
Molecular consequence: missense variant.
Genome position (GRCh38, 1-based): chr11:124,925,022, C>T on the plus strand (G>A on the coding strand, the complement: HEPACAM is on the minus strand). VCF-style: chr11-124925022-C-T. GRCh37 (hg19) VCF-style: chr11-124794918-C-T.
Other names: short protein forms G45S.
Identifiers: ClinVar variation 1695903 (VCV001695903.6), dbSNP rs751190197, ClinGen allele CA6345807.
Genomic context (GRCh38, chr11:124,925,022, plus strand): 5'-GCCTGTCGCTGCTGGTACTGCTGTACTGCACAGAAAGCAGAGCCGACTTCCCCACGGTGC[C>T]ATGGATCAGGCGCACGGGGCTGGTGATGTTCACCCCCTCCAGGGGGTCTGTGAACAGAGG-3'
Protein context (NP_689935.2, residues 35-55): NITSPVRLIH[Gly45Ser]TVGKSALLSV